The following is an entry in ClinVar:

ClinVar aggregate classification (germline): Uncertain significance. Review status: criteria provided, multiple submitters, no conflicts (2 of 4 stars). 2 submissions from 2 submitters: Uncertain significance (2). Last evaluated 2025-02-06.

Submissions (2):

GeneDx
Classification: Uncertain significance. Last evaluated: 2025-02-06. Review status: criteria provided, single submitter. Criteria: GeneDx Variant Classification Process June 2021. Collection method: clinical testing. Allele origin: germline.
Comment: Not observed at significant frequency in large population cohorts (gnomAD); In silico analysis supports that this missense variant has a deleterious effect on protein structure/function; Has not been previously published as pathogenic or benign to our knowledge

Labcorp Genetics (formerly Invitae), Labcorp
Classification: Uncertain significance. Last evaluated: 2020-11-27. Review status: criteria provided, single submitter. Criteria: Invitae Variant Classification Sherloc (09022015). Collection method: clinical testing. Allele origin: germline.
Comment: Advanced modeling of protein sequence and biophysical properties (such as structural, functional, and spatial information, amino acid conservation, physicochemical variation, residue mobility, and thermodynamic stability) performed at Invitae indicates that this missense variant is expected to disrupt NSD1 protein function. This variant has not been reported in the literature in individuals with NSD1-related conditions. This variant is not present in population databases (ExAC no frequency). This sequence change replaces tryptophan with arginine at codon 377 of the NSD1 protein (p.Trp377Arg). The tryptophan residue is moderately conserved and there is a moderate physicochemical difference between tryptophan and arginine. In summary, the available evidence is currently insufficient to determine the role of this variant in disease. Therefore, it has been classified as a Variant of Uncertain Significance.

NM_022455.5(NSD1):c.1129T>C (p.Trp377Arg)

Gene: NSD1 (nuclear receptor binding SET domain protein 1; plus strand). Cytogenetic location: 5q35.3.
Variant type: single nucleotide variant.
Coding change: c.1129T>C on transcript NM_022455.5 (MANE Select); coding-DNA position 1129, T replaced by C.
Protein change: p.Trp377Arg; replaces tryptophan 377 with arginine.
Molecular consequence: missense variant.
Genome position (GRCh38, 1-based): chr5:177,204,185, T>C. VCF-style: chr5-177204185-T-C. GRCh37 (hg19) VCF-style: chr5-176631186-T-C.
Other names: c.256T>C, p.Trp86Arg (NM_001365684.2, NM_001409306.1, NM_001409307.1 and 3 more transcripts); c.1129T>C, p.Trp377Arg (NM_001409301.1, NM_001409302.1, NM_001409303.1); c.709T>C, p.Trp237Arg (NM_001409304.1); c.376T>C, p.Trp126Arg (NM_001409305.1); short protein forms W377R, W108R, W126R, W237R, W86R.
Identifiers: ClinVar variation 1035119 (VCV001035119.11), dbSNP rs1762711811, ClinGen allele CA362304712.